The following is an entry in ClinVar:

ClinVar aggregate classification (germline): Conflicting classifications of pathogenicity. Review status: criteria provided, conflicting classifications (1 of 4 stars). 15 submissions from 15 submitters: Uncertain significance (8); Benign (1); Likely benign (4). 2 of the submissions do not count toward it. Last evaluated 2026-02-04.

Conditions:
CNTNAP2-related disorder. Also called: CNTNAP2-related condition.
Inborn genetic diseases. Identifiers: MedGen C0950123, MeSH D030342.
Autism, susceptibility to, 15. Also called: Autism susceptibility 15. Identifiers: MedGen C2677504, MONDO:0012801, OMIM 612100.
Cortical dysplasia-focal epilepsy syndrome (PTHSL1). Also called: Pitt-Hopkins-like syndrome 1. Identifiers: Orphanet 163681, Orphanet 221150, MedGen C2750246, MONDO:0012400, OMIM 610042.
Intellectual disability. Also called: Intellectual developmental disorder; Intellectual functioning disability; intellectual disabilities. Identifiers: MedGen C3714756, MeSH D008607, MONDO:0001071, HP:0001249.

Allele frequency attached by ClinVar (database versions not stated): ESP Exome Variant Server 0.00064; 1000 Genomes Project 30x 0.00031; gnomAD 0.00101 and 0.00100; ExAC 0.00090; TOPMed 0.00092; gnomAD exomes 0.00106 and 0.00193; 1000 Genomes Project 0.00020.
gnomAD v4.1: 2,795 of 1,552,118 alleles (0.18%); highest among the groups gnomAD compares: Non-Finnish European, 0.23%; 2 homozygotes.

Submissions (15):

GeneDx
Classification: Uncertain significance. Last evaluated: 2026-02-04. Review status: criteria provided, single submitter. Criteria: GeneDx Variant Classification Process June 2021. Collection method: clinical testing. Allele origin: germline. Affected: yes.
Comment: Reported previously in an individual with persistent developmental stuttering; however, the authors concluded that CNTNAP2 variants were not associated with stuttering (PMID: 24807205); In silico analysis suggests that this missense variant does not alter protein structure/function; This variant is associated with the following publications: (PMID: 20711234, 25822088, 25167861, 24807205, 30450007)

Labcorp Genetics (formerly Invitae), Labcorp
Classification: Likely benign for Cortical dysplasia-focal epilepsy syndrome. Last evaluated: 2026-02-02. Review status: criteria provided, single submitter. Criteria: Invitae Variant Classification Sherloc (09022015). Collection method: clinical testing. Allele origin: germline.

Mayo Clinic Laboratories, Mayo Clinic
Classification: Likely benign. Last evaluated: 2025-09-09. Review status: criteria provided, single submitter. Criteria: ACMG Guidelines, 2015. Collection method: clinical testing. Allele origin: germline. Observed: 3 variant alleles.
Comment: BS1, PP2

Women's Health and Genetics/Laboratory Corporation of America, LabCorp
Classification: Likely benign. Last evaluated: 2025-07-29. Review status: criteria provided, single submitter. Criteria: LabCorp Variant Classification Summary - May 2015. Collection method: clinical testing. Allele origin: germline.

Blueprint Genetics
Classification: Uncertain significance. Last evaluated: 2024-11-07. Review status: criteria provided, single submitter. Criteria: ACMG Guidelines, 2015. Collection method: clinical testing. Allele origin: germline.

CeGaT Center for Human Genetics Tuebingen
Classification: Likely benign. Last evaluated: 2024-11-01. Review status: criteria provided, single submitter. Criteria: CeGaT Center For Human Genetics Tuebingen Variant Classification Criteria Version 2. Collection method: clinical testing. Allele origin: germline. Affected: yes. Observed: 4 variant alleles.
Comment: CNTNAP2: BS2

Ambry Genetics
Classification: Benign for Inborn genetic diseases. Last evaluated: 2024-10-30. Review status: criteria provided, single submitter. Criteria: Ambry Variant Classification Scheme 2023. Collection method: clinical testing. Allele origin: germline.

Revvity Omics, Revvity
Classification: Uncertain significance for Cortical dysplasia-focal epilepsy syndrome. Last evaluated: 2022-03-11. Review status: criteria provided, single submitter. Criteria: ACMG Guidelines, 2015. Collection method: clinical testing. Allele origin: germline.

Fulgent Genetics
Classification: Uncertain significance for Cortical dysplasia-focal epilepsy syndrome; Autism, susceptibility to, 15. Last evaluated: 2018-10-31. Review status: criteria provided, single submitter. Criteria: ACMG Guidelines, 2015. Collection method: clinical testing. Allele origin: unknown.

Eurofins Ntd Llc (ga)
Classification: Uncertain significance. Last evaluated: 2018-09-06. Review status: criteria provided, single submitter. Criteria: EGL ClinVar v180209 classification definitions. Collection method: clinical testing. Allele origin: germline. Observed: 2 variant alleles, 2 heterozygotes.

Athena Diagnostics
Classification: Uncertain significance. Last evaluated: 2018-03-08. Review status: criteria provided, single submitter. Criteria: Athena Diagnostics Criteria. Collection method: clinical testing. Allele origin: germline.

Center for Pediatric Genomic Medicine, Children's Mercy Hospital and Clinics
Classification: Uncertain significance. Last evaluated: 2017-05-11. Review status: criteria provided, single submitter. Criteria: ACMG Guidelines, 2015. Collection method: clinical testing. Allele origin: germline.

Illumina Laboratory Services, Illumina
Classification: Uncertain significance for Cortical dysplasia-focal epilepsy syndrome. Last evaluated: 2017-04-28. Review status: criteria provided, single submitter. Criteria: ICSL Variant Classification Criteria 13 December 2019. Collection method: clinical testing. Allele origin: germline.

PreventionGenetics, part of Exact Sciences
Classification: Likely benign for CNTNAP2-related condition. Last evaluated: 2023-08-25. Review status: no assertion criteria provided. Collection method: clinical testing. Allele origin: germline. Not counted in ClinVar's aggregate classification.
Comment: This variant is classified as likely benign based on ACMG/AMP sequence variant interpretation guidelines (Richards et al. 2015 PMID: 25741868, with internal and published modifications).

Centre de Biologie Pathologie Génétique, Centre Hospitalier Universitaire de Lille
Classification: Uncertain significance for Intellectual disability. Last evaluated: 2019-01-01. Review status: no assertion criteria provided. Collection method: clinical testing. Allele origin: unknown. Affected: yes. Not counted in ClinVar's aggregate classification.

Literature cited by the submitters: PubMed 24807205 (cited by Mayo Clinic Laboratories, Mayo Clinic and Athena Diagnostics); PubMed 25167861 (cited by Mayo Clinic Laboratories, Mayo Clinic and Ambry Genetics); PubMed 30450007 (cited by Mayo Clinic Laboratories, Mayo Clinic); PubMed 20711234 (cited by Ambry Genetics).

NM_014141.6(CNTNAP2):c.73G>A (p.Ala25Thr)

Gene: CNTNAP2 (contactin associated protein 2; plus strand). Cytogenetic location: 7q35.
Variant type: single nucleotide variant.
Coding change: c.73G>A on transcript NM_014141.6 (MANE Select); coding-DNA position 73, G replaced by A.
Protein change: p.Ala25Thr; replaces alanine 25 with threonine.
Molecular consequence: missense variant.
Genome position (GRCh38, 1-based): chr7:146,116,949, G>A. VCF-style: chr7-146116949-G-A. GRCh37 (hg19) VCF-style: chr7-145814041-G-A.
Other names: p.A25T:GCC>ACC; short protein forms A25T.
Identifiers: ClinVar variation 166907 (VCV000166907.73), dbSNP rs200866893, ClinGen allele CA233775.